The following is an entry in ClinVar:

NM_006904.7(PRKDC):c.12175A>G (p.Ile4059Val)

Gene: PRKDC (protein kinase, DNA-activated, catalytic subunit; minus strand). Cytogenetic location: 8q11.21.
Variant type: single nucleotide variant.
Coding change: c.12175A>G on transcript NM_006904.7 (MANE Select); coding-DNA position 12175, A replaced by G.
Protein change: p.Ile4059Val; replaces isoleucine 4059 with valine.
Molecular consequence: missense variant.
Genome position (GRCh38, 1-based): chr8:47,776,851, T>C on the plus strand (A>G on the coding strand, the complement: PRKDC is on the minus strand). VCF-style: chr8-47776851-T-C. GRCh37 (hg19) VCF-style: chr8-48689412-T-C.
Other names: c.12082A>G, p.Ile4028Val (NM_001081640.2); short protein forms I4059V, I4028V.
Identifiers: ClinVar variation 1503508 (VCV001503508.26), dbSNP rs2086617397, ClinGen allele CA371126921.

ClinVar aggregate classification (germline): Uncertain significance. Review status: criteria provided, multiple submitters, no conflicts (2 of 4 stars). 2 submissions from 2 submitters: Uncertain significance (2). Last evaluated 2023-11-01.

Conditions:
Severe combined immunodeficiency due to DNA-PKcs deficiency. Also called: IMMUNODEFICIENCY 26 WITH NEUROLOGIC ABNORMALITIES; Immunodeficiency 26 with or without neurologic abnormalities. Identifiers: Orphanet 317425, MedGen C4014833, MONDO:0014423, OMIM 615966.

Allele frequency attached by ClinVar (database versions not stated): gnomAD exomes below 0.00001; TOPMed below 0.00001.
gnomAD v4.1: 5 of 1,613,738 alleles (0.00031%); highest among the groups gnomAD compares: Middle Eastern, 0.016%; no homozygotes.

Submissions (2):

CeGaT Center for Human Genetics Tuebingen
Classification: Uncertain significance. Last evaluated: 2023-11-01. Review status: criteria provided, single submitter. Criteria: CeGaT Center For Human Genetics Tuebingen Variant Classification Criteria Version 2. Collection method: clinical testing. Allele origin: germline. Affected: yes. Observed: 1 variant allele.
Comment: PRKDC: PM2

Labcorp Genetics (formerly Invitae), Labcorp
Classification: Uncertain significance for Severe combined immunodeficiency due to DNA-PKcs deficiency. Last evaluated: 2021-03-10. Review status: criteria provided, single submitter. Criteria: Invitae Variant Classification Sherloc (09022015). Collection method: clinical testing. Allele origin: germline.
Comment: Experimental studies and prediction algorithms are not available or were not evaluated, and the functional significance of this variant is currently unknown. In summary, the available evidence is currently insufficient to determine the role of this variant in disease. Therefore, it has been classified as a Variant of Uncertain Significance. Algorithms developed to predict the effect of sequence changes on RNA splicing suggest that this variant is not likely to affect RNA splicing, but this prediction has not been confirmed by published transcriptional studies. This variant has not been reported in the literature in individuals with PRKDC-related conditions. This variant is not present in population databases (ExAC no frequency). This sequence change replaces isoleucine with valine at codon 4059 of the PRKDC protein (p.Ile4059Val). The isoleucine residue is moderately conserved and there is a small physicochemical difference between isoleucine and valine.